The following is an entry in ClinVar:

ClinVar aggregate classification (germline): Uncertain significance (1 of 4 stars; one submission).

Conditions:
Deficiency of malonyl-CoA decarboxylase. Also called: Malonic aciduria; MCD deficiency. Identifiers: Orphanet 943, MedGen C0342793, MONDO:0009556, OMIM 248360.

Allele frequency attached by ClinVar (database versions not stated): gnomAD 0.00001; TOPMed 0.00001.
gnomAD v4.1: 17 of 1,578,932 alleles (0.0011%); highest among the groups gnomAD compares: Admixed American, 0.0017%; no homozygotes.

Submission:

Labcorp Genetics (formerly Invitae), Labcorp
Classification: Uncertain significance for Deficiency of malonyl-CoA decarboxylase. Last evaluated: 2022-08-09. Review status: criteria provided, single submitter. Criteria: Invitae Variant Classification Sherloc (09022015). Collection method: clinical testing. Allele origin: germline.
Comment: This sequence change replaces glutamine, which is neutral and polar, with arginine, which is basic and polar, at codon 156 of the MLYCD protein (p.Gln156Arg). This variant is not present in population databases (gnomAD no frequency). This variant has not been reported in the literature in individuals affected with MLYCD-related conditions. Algorithms developed to predict the effect of missense changes on protein structure and function output the following: SIFT: "Tolerated"; PolyPhen-2: "Benign"; Align-GVGD: "Class C0". The arginine amino acid residue is found in multiple mammalian species, which suggests that this missense change does not adversely affect protein function. In summary, the available evidence is currently insufficient to determine the role of this variant in disease. Therefore, it has been classified as a Variant of Uncertain Significance.

NM_012213.3(MLYCD):c.467A>G (p.Gln156Arg)

Gene: MLYCD (malonyl-CoA decarboxylase; plus strand). Cytogenetic location: 16q23.3.
Variant type: single nucleotide variant.
Coding change: c.467A>G on transcript NM_012213.3 (MANE Select); coding-DNA position 467, A replaced by G.
Protein change: p.Gln156Arg; replaces glutamine 156 with arginine.
Molecular consequence: missense variant.
Genome position (GRCh38, 1-based): chr16:83,899,611, A>G. VCF-style: chr16-83899611-A-G. GRCh37 (hg19) VCF-style: chr16-83933216-A-G.
Other names: short protein forms Q156R.
Identifiers: ClinVar variation 1986024 (VCV001986024.1), dbSNP rs752334071, ClinGen allele CA396918386.